The following is an entry in ClinVar:

ClinVar aggregate classification (germline): not provided (0 of 4 stars; one submission).

Conditions:
Small for gestational age. Also called: Low birth weight. Identifiers: MedGen C0235991, HP:0001518.

Submission:

Institute of Molecular and Cell Biology, University of Tartu
No classification provided. Condition: Small for gestational age. Review status: no classification provided. Collection method: case-control. Allele origin: unknown. Affected: yes. Study: Kasak2014.
Comment: The study aimed to determine the contribution of copy number variants in the genetic etiology of normal and complicated pregnancies. The samples represented (i) maternal blood DNA drawn from healthy pregnant women during 1st or 2nd trimester and (ii) maternal and paternal blood DNA drawn at term pregnancy cases representing normal and complicated gestations (severe preeclampsia, PE; gestational diabetes, GD; small-for-gestational age newborn, SGA; large-for-gestational age newborn, LGA). We performed CNV calling based on genome-wide genotyping dataset (Illumina HumanOmniExpress-24-v1 BeadChip) by applying three algorithms, QuantiSNP, GADA (Genome Alteration Detection Algorithm) and CNstream in parallel. The acquired CNV calls were merged with HD-CNV (Hotspot Detector for Copy Number Variants) program and only the CNVs predicted by at least two programs, were considered in subsequent analysis.

Literature cited by the submitters: PubMed 25666259.

NC_000015.9:g.23077857_23114374del

Gene: NIPA1 (NIPA magnesium transporter 1; plus strand). Cytogenetic location: 15q11.2.
Variant type: Deletion.
Identifiers: ClinVar variation 157328 (VCV000157328.2).